The following is an entry in ClinVar:

ClinVar aggregate classification (germline): Uncertain significance (1 of 4 stars; one submission).

Conditions:
Giant axonal neuropathy 1 (GAN1). Also called: GIANT AXONAL NEUROPATHY 1, AUTOSOMAL RECESSIVE; GAN-Related Neurodegeneration. Identifiers: Orphanet 643, MedGen C1850386, MONDO:0009749, OMIM 256850.

Allele frequency attached by ClinVar (database versions not stated): gnomAD exomes below 0.00001.

Submission:

Labcorp Genetics (formerly Invitae), Labcorp
Classification: Uncertain significance for Giant axonal neuropathy 1. Last evaluated: 2023-06-30. Review status: criteria provided, single submitter. Criteria: Invitae Variant Classification Sherloc (09022015). Collection method: clinical testing. Allele origin: germline.
Comment: In summary, the available evidence is currently insufficient to determine the role of this variant in disease. Therefore, it has been classified as a Variant of Uncertain Significance. Advanced modeling of protein sequence and biophysical properties (such as structural, functional, and spatial information, amino acid conservation, physicochemical variation, residue mobility, and thermodynamic stability) performed at Invitae indicates that this missense variant is not expected to disrupt GAN protein function. This variant has not been reported in the literature in individuals affected with GAN-related conditions. ClinVar contains an entry for this variant (Variation ID: 1000519). This variant is not present in population databases (gnomAD no frequency). This sequence change replaces valine, which is neutral and non-polar, with leucine, which is neutral and non-polar, at codon 330 of the GAN protein (p.Val330Leu).

NM_022041.4(GAN):c.988G>T (p.Val330Leu)

Gene: GAN (gigaxonin; plus strand). Cytogenetic location: 16q23.2.
Variant type: single nucleotide variant.
Coding change: c.988G>T on transcript NM_022041.4 (MANE Select); coding-DNA position 988, G replaced by T.
Protein change: p.Val330Leu; replaces valine 330 with leucine.
Molecular consequence: missense variant.
Genome position (GRCh38, 1-based): chr16:81,362,513, G>T. VCF-style: chr16-81362513-G-T. GRCh37 (hg19) VCF-style: chr16-81396118-G-T.
Other names: c.349G>T, p.Val117Leu (NM_001377486.1); short protein forms V117L, V330L.
Identifiers: ClinVar variation 1000519 (VCV001000519.6), dbSNP rs1910708136, ClinGen allele CA396874683.